The following is an entry in ClinVar:

ClinVar aggregate classification (germline): Benign/Likely benign. Review status: criteria provided, multiple submitters, no conflicts (2 of 4 stars). 3 submissions from 3 submitters: Benign (1); Likely benign (2). Last evaluated 2025-12-23.

Allele frequency attached by ClinVar (database versions not stated): ESP Exome Variant Server 0.00361; gnomAD 0.00364 and 0.00340; TOPMed 0.00397; 1000 Genomes Project 0.00539; 1000 Genomes Project 30x 0.00562; gnomAD exomes 0.00037 and 0.00110; ExAC 0.00146.
gnomAD v4.1: 1,115 of 1,614,172 alleles (0.069%); highest among the groups gnomAD compares: African/African-American, 1.1%; 4 homozygotes.

Submissions (3):

Labcorp Genetics (formerly Invitae), Labcorp
Classification: Benign. Last evaluated: 2025-12-23. Review status: criteria provided, single submitter. Criteria: Invitae Variant Classification Sherloc (09022015). Collection method: clinical testing. Allele origin: germline.

Blueprint Genetics
Classification: Likely benign. Last evaluated: 2024-11-12. Review status: criteria provided, single submitter. Criteria: ACMG Guidelines, 2015. Collection method: clinical testing. Allele origin: germline.

CeGaT Center for Human Genetics Tuebingen
Classification: Likely benign. Last evaluated: 2023-04-01. Review status: criteria provided, single submitter. Criteria: CeGaT Center For Human Genetics Tuebingen Variant Classification Criteria Version 2. Collection method: clinical testing. Allele origin: germline. Affected: yes. Observed: 2 variant alleles.
Comment: ARHGEF10: BP4, BS1

NM_014629.4(ARHGEF10):c.2501A>G (p.His834Arg)

Gene: ARHGEF10 (Rho guanine nucleotide exchange factor 10; plus strand). Cytogenetic location: 8p23.3.
Variant type: single nucleotide variant.
Coding change: c.2501A>G on transcript NM_014629.4 (MANE Select); coding-DNA position 2501, A replaced by G.
Protein change: p.His834Arg; replaces histidine 834 with arginine.
Molecular consequence: missense variant.
Genome position (GRCh38, 1-based): chr8:1,925,295, A>G. VCF-style: chr8-1925295-A-G. GRCh37 (hg19) VCF-style: chr8-1873461-A-G.
Other names: c.2387A>G, p.His796Arg (NM_001308152.2); c.2501A>G, p.His834Arg (NM_001308153.3); short protein forms H796R, H834R, H858R.
Identifiers: ClinVar variation 709434 (VCV000709434.34), dbSNP rs142973221, ClinGen allele CA4600912.
Genomic context (GRCh38, chr8:1,925,295, plus strand): 5'-TGTGAGTTAACTGCATTCTTGCTCATTTCTCTCTGAATATAATTGCAGAAGAGGAGAACC[A>G]CATGGGCTGGTTCTGTGTGGAAGACGATGGGAATCACATTAAAAAGGAGAAGCATCCTCT-3'
Protein context (NP_055444.2, residues 824-844): MAKLALEEEN[His834Arg]MGWFCVEDDG